The following is an entry in ClinVar:

NM_001323289.2(CDKL5):c.362A>G (p.Lys121Arg)

Gene: CDKL5 (cyclin dependent kinase like 5; plus strand). Cytogenetic location: Xp22.13.
Variant type: single nucleotide variant.
Coding change: c.362A>G on transcript NM_001323289.2 (MANE Select); coding-DNA position 362, A replaced by G.
Protein change: p.Lys121Arg; replaces lysine 121 with arginine.
Molecular consequence: missense variant.
Genome position (GRCh38, 1-based): chrX:18,579,927, A>G. VCF-style: chrX-18579927-A-G. GRCh37 (hg19) VCF-style: chrX-18598047-A-G.
Other names: c.362A>G, p.Lys121Arg (NM_001037343.2, NM_003159.3); short protein forms K121R.
Identifiers: ClinVar variation 1339216 (VCV001339216.2), dbSNP rs2147142685, ClinGen allele CA412350194.
Genomic context (GRCh38, chrX:18,579,927, plus strand): 5'-AAGAAATGCCAAATGGAGTTCCACCTGAGAAAGTAAAAAGCTACATCTATCAGCTAATCA[A>G]GGCTATTCACTGGTGCCATAAGAATGATATTGTCCATCGAGGTGAGTATGAGATTTTTAA-3'
Protein context (NP_001310218.1, residues 111-131): KVKSYIYQLI[Lys121Arg]AIHWCHKNDI

ClinVar aggregate classification (germline): Uncertain significance (1 of 4 stars; one submission).

Conditions:
Developmental and epileptic encephalopathy, 2 (DEE2). Also called: INFANTILE SPASM SYNDROME, X-LINKED 2; CDKL5 deficiency disorder. Identifiers: Orphanet 1934, Orphanet 3451, Orphanet 505652, MedGen C4750718, MONDO:0010396, OMIM 300672.

Allele frequency attached by ClinVar (database versions not stated): gnomAD exomes below 0.00001.
gnomAD v4.1: 2 of 1,202,305 alleles (0.00017%); highest among the groups gnomAD compares: South Asian, 0.0035%; no homozygotes.

Submission:

Neuberg Centre For Genomic Medicine, NCGM
Classification: Uncertain significance for Developmental and epileptic encephalopathy, 2. Review status: criteria provided, single submitter. Criteria: ACMG Guidelines, 2015. Collection method: clinical testing. Allele origin: germline. Affected: yes.
Comment: The missense variant p.K121R in CDKL5 (NM_003159.3) has not been reported previously as a pathogenic variant nor as a benign variant, to our knowledge. The p.K121R variant is novel (not in any individuals) in gnomAD Exomes and is novel (not in any individuals) in 1000 Genomes. There is a small physicochemical difference between lysine and arginine, which is not likely to impact secondary protein structure as these residues share similar properties. The p.K121R missense variant is predicted to be damaging by both SIFT and PolyPhen2. The lysine residue at codon 121 of CDKL5 is conserved in all mammalian species. The nucleotide c.362 in CDKL5 is predicted conserved by GERP++ and PhyloP across 100 vertebrates. For these reasons, this variant has been classified as Uncertain Significance.